The following is an entry in ClinVar:

ClinVar aggregate classification (germline): Uncertain significance. Review status: criteria provided, multiple submitters, no conflicts (2 of 4 stars). 3 submissions from 3 submitters: Uncertain significance (2). 1 of the submissions does not count toward it. Last evaluated 2024-10-21.

Conditions:
Inborn genetic diseases. Identifiers: MedGen C0950123, MeSH D030342.
TBXAS1-related disorder. Also called: TBXAS1-related condition.

Allele frequency attached by ClinVar (database versions not stated): gnomAD exomes 0.00003; ExAC 0.00012; gnomAD 0.00013; TOPMed 0.00019; ESP Exome Variant Server 0.00054.
gnomAD v4.1: 64 of 1,613,886 alleles (0.004%); highest among the groups gnomAD compares: African/African-American, 0.051%; no homozygotes.

Submissions (3):

Ambry Genetics
Classification: Uncertain significance for Inborn genetic diseases. Last evaluated: 2024-10-21. Review status: criteria provided, single submitter. Criteria: Ambry Variant Classification Scheme 2023. Collection method: clinical testing. Allele origin: germline.

Labcorp Genetics (formerly Invitae), Labcorp
Classification: Uncertain significance. Last evaluated: 2022-01-13. Review status: criteria provided, single submitter. Criteria: Invitae Variant Classification Sherloc (09022015). Collection method: clinical testing. Allele origin: germline.
Comment: This sequence change replaces threonine, which is neutral and polar, with methionine, which is neutral and non-polar, at codon 18 of the TBXAS1 protein (p.Thr18Met). This variant is present in population databases (rs61733586, gnomAD 0.07%). This variant has not been reported in the literature in individuals affected with TBXAS1-related conditions. Algorithms developed to predict the effect of missense changes on protein structure and function output the following: SIFT: "Deleterious"; PolyPhen-2: "Benign"; Align-GVGD: "Class C0". The methionine amino acid residue is found in multiple mammalian species, which suggests that this missense change does not adversely affect protein function. In summary, the available evidence is currently insufficient to determine the role of this variant in disease. Therefore, it has been classified as a Variant of Uncertain Significance.

PreventionGenetics, part of Exact Sciences
Classification: Uncertain significance for TBXAS1-related condition. Last evaluated: 2024-04-21. Review status: no assertion criteria provided. Collection method: clinical testing. Allele origin: germline. Not counted in ClinVar's aggregate classification.
Comment: The TBXAS1 c.53C>T variant is predicted to result in the amino acid substitution p.Thr18Met. To our knowledge, this variant has not been reported in the literature. This variant is reported in 0.056% of alleles in individuals of African descent in gnomAD. At this time, the clinical significance of this variant is uncertain due to the absence of conclusive functional and genetic evidence.

NM_001061.7(TBXAS1):c.50C>T (p.Thr17Met)

Genes: TBXAS1 (thromboxane A synthase 1; plus strand), LOC126860199 (CDK7 strongly-dependent group 2 enhancer GRCh37_chr7:139528736-139529935; plus strand). Cytogenetic location: 7q34.
Variant type: single nucleotide variant.
Coding change: c.50C>T on transcript NM_001061.7 (MANE Select); coding-DNA position 50, C replaced by T.
Protein change: p.Thr17Met; replaces threonine 17 with methionine.
Molecular consequence: missense variant. On other transcripts: 5 prime UTR variant (2), intron variant (1).
Genome position (GRCh38, 1-based): chr7:139,829,440, C>T. VCF-style: chr7-139829440-C-T. GRCh37 (hg19) VCF-style: chr7-139529239-C-T.
Other names: c.50C>T, p.Thr17Met (NM_001130966.5, NM_001166253.4, NM_001366538.2 and 1 more transcripts); c.-37C>T (NM_001314028.4, NM_001366537.3); c.-113+42014C>T (NM_001166254.4); c.53C>T (NM_001061.4); short protein forms T18M, T17M.
Identifiers: ClinVar variation 2053992 (VCV002053992.5), dbSNP rs61733586, ClinGen allele CA4511442.